The following is an entry in ClinVar:

NM_024675.4(PALB2):c.2440G>A (p.Glu814Lys)

Gene: PALB2 (partner and localizer of BRCA2; minus strand). Cytogenetic location: 16p12.2.
Variant type: single nucleotide variant.
Coding change: c.2440G>A on transcript NM_024675.4 (MANE Select); coding-DNA position 2440, G replaced by A.
Protein change: p.Glu814Lys; replaces glutamic acid 814 with lysine.
Molecular consequence: missense variant. On other transcripts: intron variant (1).
Genome position (GRCh38, 1-based): chr16:23,629,714, C>T on the plus strand (G>A on the coding strand, the complement: PALB2 is on the minus strand). VCF-style: chr16-23629714-C-T. GRCh37 (hg19) VCF-style: chr16-23641035-C-T.
Other names: c.2380G>A, p.Glu794Lys (NM_001407296.1); c.2440G>A, p.Glu814Lys (NM_001407297.1, NM_001407298.1, NM_001407299.1 and 3 more transcripts); c.1555G>A, p.Glu519Lys (NM_001407304.1, NM_001407305.1, NM_001407306.1 and 5 more transcripts); c.652G>A, p.Glu218Lys (NM_001407312.1, NM_001407313.1); c.49-439G>A (NM_001407314.1); short protein forms E218K, E814K, E519K, E794K.
Identifiers: ClinVar variation 2561282 (VCV002561282.4), dbSNP rs2142372947, ClinGen allele CA395124243.

ClinVar aggregate classification (germline): Uncertain significance. Review status: criteria provided, multiple submitters, no conflicts (2 of 4 stars). 2 submissions from 2 submitters: Uncertain significance (2). Last evaluated 2024-02-14.

Conditions:
Hereditary cancer-predisposing syndrome. Also called: Neoplastic Syndromes, Hereditary; Hereditary Cancer Syndrome; Hereditary neoplastic syndrome; Tumor predisposition. Identifiers: Orphanet 140162, MedGen C0027672, MeSH D009386, MONDO:0015356.
Familial cancer of breast. Also called: Hereditary breast cancer; hereditary breast carcinoma; BREAST CANCER, FAMILIAL. Identifiers: Orphanet 227535, MedGen C0346153, MONDO:0016419, OMIM 114480. Disease mechanism: loss of function.

Submissions (2):

Labcorp Genetics (formerly Invitae), Labcorp
Classification: Uncertain significance for Familial cancer of breast. Last evaluated: 2024-02-14. Review status: criteria provided, single submitter. Criteria: Invitae Variant Classification Sherloc (09022015). Collection method: clinical testing. Allele origin: germline.
Comment: This sequence change replaces glutamic acid, which is acidic and polar, with lysine, which is basic and polar, at codon 814 of the PALB2 protein (p.Glu814Lys). This variant is not present in population databases (gnomAD no frequency). This variant has not been reported in the literature in individuals affected with PALB2-related conditions. ClinVar contains an entry for this variant (Variation ID: 2561282). Advanced modeling of protein sequence and biophysical properties (such as structural, functional, and spatial information, amino acid conservation, physicochemical variation, residue mobility, and thermodynamic stability) performed at Invitae indicates that this missense variant is not expected to disrupt PALB2 protein function with a negative predictive value of 80%. In summary, the available evidence is currently insufficient to determine the role of this variant in disease. Therefore, it has been classified as a Variant of Uncertain Significance.

Ambry Genetics
Classification: Uncertain significance for Hereditary cancer-predisposing syndrome. Last evaluated: 2023-03-24. Review status: criteria provided, single submitter. Criteria: Ambry Variant Classification Scheme 2023. Collection method: clinical testing. Allele origin: germline.
Comment: The p.E814K variant (also known as c.2440G>A), located in coding exon 5 of the PALB2 gene, results from a G to A substitution at nucleotide position 2440. The glutamic acid at codon 814 is replaced by lysine, an amino acid with similar properties. This amino acid position is not well conserved in available vertebrate species. In addition, this alteration is predicted to be tolerated by in silico analysis. Since supporting evidence is limited at this time, the clinical significance of this alteration remains unclear.